The following is an entry in ClinVar:

NM_000257.4(MYH7):c.5324C>T (p.Thr1775Ile)

Gene: MYH7 (myosin heavy chain 7; minus strand). Cytogenetic location: 14q11.2.
Variant type: single nucleotide variant.
Coding change: c.5324C>T on transcript NM_000257.4 (MANE Select); coding-DNA position 5324, C replaced by T.
Protein change: p.Thr1775Ile; replaces threonine 1775 with isoleucine.
Molecular consequence: missense variant.
Genome position (GRCh38, 1-based): chr14:23,415,230, G>A on the plus strand (C>T on the coding strand, the complement: MYH7 is on the minus strand). VCF-style: chr14-23415230-G-A. GRCh37 (hg19) VCF-style: chr14-23884439-G-A.
Other names: short protein forms T1775I.
Identifiers: ClinVar variation 1359840 (VCV001359840.9), dbSNP rs2138638712, ClinGen allele CA389035823.

ClinVar aggregate classification (germline): Conflicting classifications of pathogenicity. Review status: criteria provided, conflicting classifications (1 of 4 stars). 2 submissions from 2 submitters: Likely pathogenic (1); Uncertain significance (1). Last evaluated 2025-07-23.

Conditions:
Hypertrophic cardiomyopathy. Also called: HYPERTROPHIC MYOCARDIOPATHY. Identifiers: Orphanet 217569, MedGen C0007194, MeSH D002312, MONDO:0005045, HP:0001639.

Submissions (2):

Clinical Genetics Laboratory, Skane University Hospital Lund
Classification: Uncertain significance for Hypertrophic cardiomyopathy. Last evaluated: 2025-07-23. Review status: criteria provided, single submitter. Criteria: ACMG Guidelines, 2015. Collection method: clinical testing. Allele origin: germline. Affected: yes.
Comment: Criteria applied: PS4_moderate, PM2_supporting

Labcorp Genetics (formerly Invitae), Labcorp
Classification: Likely pathogenic for Hypertrophic cardiomyopathy. Last evaluated: 2023-04-24. Review status: criteria provided, single submitter. Criteria: Invitae Variant Classification Sherloc (09022015). Collection method: clinical testing. Allele origin: germline.
Comment: In summary, the currently available evidence indicates that the variant is pathogenic, but additional data are needed to prove that conclusively. Therefore, this variant has been classified as Likely Pathogenic. Advanced modeling of protein sequence and biophysical properties (such as structural, functional, and spatial information, amino acid conservation, physicochemical variation, residue mobility, and thermodynamic stability) performed at Invitae indicates that this missense variant is expected to disrupt MYH7 protein function. ClinVar contains an entry for this variant (Variation ID: 1359840). This missense change has been observed in individuals with clinical features of hypertrophic cardiomyopathy (PMID: 32894683; Invitae). This variant is not present in population databases (gnomAD no frequency). This sequence change replaces threonine, which is neutral and polar, with isoleucine, which is neutral and non-polar, at codon 1775 of the MYH7 protein (p.Thr1775Ile).

Literature cited by the submitters: PubMed 32894683 (cited by Labcorp Genetics (formerly Invitae), Labcorp).